The following is an entry in ClinVar:

NM_001035.3(RYR2):c.10378dup (p.Ser3460fs)

Gene: RYR2 (ryanodine receptor 2; plus strand). Cytogenetic location: 1q43.
Variant type: Duplication.
Coding change: c.10378dup on transcript NM_001035.3 (MANE Select); coding-DNA position 10378, one base duplicated (T; older notation c.10378dupT).
Protein change: p.Ser3460fs; shifts the reading frame from serine 3460.
Molecular consequence: frameshift variant.
Genome position (GRCh38, 1-based): chr1:237,717,252, T duplicated; the last of 2 consecutive T bases (chr1:237,717,251-237,717,252); duplicating either gives the same sequence. VCF-style (leftmost placement, unchanged base first): chr1-237717250-A-AT. GRCh37 (hg19) VCF-style: chr1-237880550-A-AT.
Other names: short protein forms S3460fs.
Identifiers: ClinVar variation 921638 (VCV000921638.3), dbSNP rs1689341818, ClinGen allele CA913188197.

ClinVar aggregate classification (germline): Uncertain significance (1 of 4 stars; one submission).

Conditions:
Cardiomyopathy (CMYO). Also called: Cardiomyopathies. Identifiers: Orphanet 167848, MedGen C0878544, MONDO:0004994, HP:0001638. Inheritance: Various modes of inheritance.

Submission:

Color Diagnostics, LLC DBA Color Health
Classification: Uncertain significance for Cardiomyopathy. Last evaluated: 2019-03-01. Review status: criteria provided, single submitter. Criteria: ACMG Guidelines, 2015. Collection method: clinical testing. Allele origin: germline.
Comment: Variant of Uncertain Significance due to insufficient evidence: This variant inserts 1 nucleotide in exon 72 of the RYR2 gene, creating a frameshift and premature translation stop signal. This variant is expected to result in an absent or truncated protein product. To our knowledge, functional assays have not been performed for this variant nor has this variant been reported in individuals affected with cardiovascular disorders in the literature. This variant is rare in the general population and has been identified in 0/277264 chromosomes by the Genome Aggregation Database (gnomAD). The role of RYR2 truncation variants in cardiovascular disorders is not clearly established. Available evidence is insufficient to determine the role of this variant in disease conclusively.